The following is an entry in ClinVar:

ClinVar aggregate classification (germline): Uncertain significance. Review status: criteria provided, single submitter (1 of 4 stars). 2 submissions from 2 submitters: Uncertain significance (1). 1 of the submissions does not count toward it. Last evaluated 2024-06-03.

Conditions:
UCP3-related disorder. Also called: UCP3-related condition.

Allele frequency attached by ClinVar (database versions not stated): ExAC 0.00001; gnomAD 0.00001; gnomAD exomes 0.00001; TOPMed 0.00001; ESP Exome Variant Server 0.00008.

Submissions (2):

Labcorp Genetics (formerly Invitae), Labcorp
Classification: Uncertain significance. Last evaluated: 2024-06-03. Review status: criteria provided, single submitter. Criteria: Invitae Variant Classification Sherloc (09022015). Collection method: clinical testing. Allele origin: germline.
Comment: This sequence change replaces glutamine, which is neutral and polar, with leucine, which is neutral and non-polar, at codon 44 of the UCP3 protein (p.Gln44Leu). This variant is present in population databases (rs373165822, gnomAD 0.02%). This variant has not been reported in the literature in individuals affected with UCP3-related conditions. Advanced modeling of protein sequence and biophysical properties (such as structural, functional, and spatial information, amino acid conservation, physicochemical variation, residue mobility, and thermodynamic stability) performed at Invitae indicates that this missense variant is not expected to disrupt UCP3 protein function with a negative predictive value of 80%. In summary, the available evidence is currently insufficient to determine the role of this variant in disease. Therefore, it has been classified as a Variant of Uncertain Significance.

PreventionGenetics, part of Exact Sciences
Classification: Uncertain significance for UCP3-related condition. Last evaluated: 2024-01-26. Review status: no assertion criteria provided. Collection method: clinical testing. Allele origin: germline. Not counted in ClinVar's aggregate classification.
Comment: The UCP3 c.131A>T variant is predicted to result in the amino acid substitution p.Gln44Leu. To our knowledge, this variant has not been reported in the literature. This variant is reported in 0.020% of alleles in individuals of European (Finnish) descent in gnomAD. At this time, the clinical significance of this variant is uncertain due to the absence of conclusive functional and genetic evidence.

NM_003356.4(UCP3):c.131A>T (p.Gln44Leu)

Gene: UCP3 (uncoupling protein 3; minus strand). Cytogenetic location: 11q13.4.
Variant type: single nucleotide variant.
Coding change: c.131A>T on transcript NM_003356.4 (MANE Select); coding-DNA position 131, A replaced by T.
Protein change: p.Gln44Leu; replaces glutamine 44 with leucine.
Molecular consequence: missense variant.
Genome position (GRCh38, 1-based): chr11:74,006,375, T>A on the plus strand (A>T on the coding strand, the complement: UCP3 is on the minus strand). VCF-style: chr11-74006375-T-A. GRCh37 (hg19) VCF-style: chr11-73717420-T-A.
Other names: c.131A>T (NM_003356.3); c.131A>T, p.Gln44Leu (NM_022803.3); short protein forms Q44L.
Identifiers: ClinVar variation 2965587 (VCV002965587.5), dbSNP rs373165822, ClinGen allele CA6181618.